The following is an entry in ClinVar:

ClinVar aggregate classification (germline): Benign/Likely benign. Review status: criteria provided, multiple submitters, no conflicts (2 of 4 stars). 3 submissions from 3 submitters: Benign (1); Likely benign (2). Last evaluated 2025-07-02.

Conditions:
Hereditary cancer-predisposing syndrome. Also called: Tumor predisposition; Neoplastic Syndromes, Hereditary; Hereditary Cancer Syndrome; Hereditary neoplastic syndrome. Identifiers: Orphanet 140162, MedGen C0027672, MeSH D009386, MONDO:0015356.
Hereditary diffuse gastric adenocarcinoma (HDGC). Also called: DIFFUSE GASTRIC AND LOBULAR BREAST CANCER SYNDROME. Identifiers: Orphanet 26106, MedGen C1708349, MONDO:0007648, OMIM 137215.

Submissions (3):

Labcorp Genetics (formerly Invitae), Labcorp
Classification: Likely benign for Hereditary diffuse gastric adenocarcinoma. Last evaluated: 2025-07-02. Review status: criteria provided, single submitter. Criteria: Invitae Variant Classification Sherloc (09022015). Collection method: clinical testing. Allele origin: germline.

Myriad Genetics, Inc.
Classification: Benign for Hereditary diffuse gastric adenocarcinoma. Last evaluated: 2024-09-20. Review status: criteria provided, single submitter. Criteria: Myriad Autosomal Dominant, Autosomal Recessive and X-Linked Classification Criteria (2023). Collection method: clinical testing. Allele origin: unknown.
Comment: This variant is considered benign. This variant is a silent/synonymous amino acid change and it is not expected to impact splicing.

Ambry Genetics
Classification: Likely benign for Hereditary cancer-predisposing syndrome. Last evaluated: 2020-03-09. Review status: criteria provided, single submitter. Criteria: Ambry Variant Classification Scheme 2023. Collection method: clinical testing. Allele origin: germline.

NM_004360.5(CDH1):c.2182T>C (p.Leu728=)

Gene: CDH1 (cadherin 1; plus strand). Cytogenetic location: 16q22.1.
Variant type: single nucleotide variant.
Coding change: c.2182T>C on transcript NM_004360.5 (MANE Select); coding-DNA position 2182, T replaced by C.
Protein change: p.Leu728=; no amino-acid change (leucine 728 retained).
Molecular consequence: synonymous variant.
Genome position (GRCh38, 1-based): chr16:68,828,191, T>C. VCF-style: chr16-68828191-T-C. GRCh37 (hg19) VCF-style: chr16-68862094-T-C.
Other names: c.1999T>C, p.Leu667= (NM_001317184.2); c.634T>C, p.Leu212= (NM_001317185.2); c.217T>C, p.Leu73= (NM_001317186.2).
Identifiers: ClinVar variation 1787290 (VCV001787290.5), dbSNP rs2543953353, ClinGen allele CA496157126.